The following is an entry in ClinVar:

ClinVar aggregate classification (germline): Benign/Likely benign. Review status: criteria provided, multiple submitters, no conflicts (2 of 4 stars). 3 submissions from 3 submitters: Benign (2); Likely benign (1). Last evaluated 2023-10-01.

Allele frequency attached by ClinVar (database versions not stated): 1000 Genomes Project 30x 0.00094; 1000 Genomes Project 0.00120; TOPMed 0.00230; ESP Exome Variant Server 0.00269; ExAC 0.00422; gnomAD 0.00551.
gnomAD v4.1: 5,586 of 1,612,534 alleles (0.35%); highest among the groups gnomAD compares: Non-Finnish European, 0.28%; 32 homozygotes.

Submissions (18):

CeGaT Center for Human Genetics Tuebingen
Classification: Likely benign. Last evaluated: 2023-10-01. Review status: criteria provided, single submitter. Criteria: CeGaT Center For Human Genetics Tuebingen Variant Classification Criteria Version 2. Collection method: clinical testing. Allele origin: germline. Affected: yes. Observed: 1 variant allele.
Comment: GOLGA2: PP3, BS2

Labcorp Genetics (formerly Invitae), Labcorp
Classification: Benign. Last evaluated: 2018-03-30. Review status: criteria provided, single submitter. Criteria: Invitae Variant Classification Sherloc (09022015). Collection method: clinical testing. Allele origin: germline.

Breakthrough Genomics
Classification: Benign. Review status: criteria provided, single submitter. Criteria: ACMG Guidelines, 2015. Collection method: not provided. Allele origin: germline. Inheritance: Autosomal recessive inheritance. Affected: yes.

Dr. Peter K. Rogan Lab, Western University
No classification provided (evidence only). Condition: Clear cell carcinoma of kidney. Review status: no classification provided. Collection method: in vitro. Allele origin: not applicable. Functional consequence: retained intron. Not counted in ClinVar's aggregate classification.

Dr. Peter K. Rogan Lab, Western University
No classification provided (evidence only). Condition: Clear cell carcinoma of kidney. Review status: no classification provided. Collection method: in vitro. Allele origin: not applicable. Functional consequence: retained intron. Not counted in ClinVar's aggregate classification.

Dr. Peter K. Rogan Lab, Western University
No classification provided (evidence only). Condition: Clear cell carcinoma of kidney. Review status: no classification provided. Collection method: in vitro. Allele origin: not applicable. Functional consequence: retained intron. Not counted in ClinVar's aggregate classification.

Dr. Peter K. Rogan Lab, Western University
No classification provided (evidence only). Condition: Familial cancer of breast. Review status: no classification provided. Collection method: in vitro. Allele origin: not applicable. Functional consequence: retained intron. Not counted in ClinVar's aggregate classification.

Dr. Peter K. Rogan Lab, Western University
No classification provided (evidence only). Condition: Acute myeloid leukemia. Review status: no classification provided. Collection method: in vitro. Allele origin: not applicable. Functional consequence: retained intron. Not counted in ClinVar's aggregate classification.

Dr. Peter K. Rogan Lab, Western University
No classification provided (evidence only). Condition: Thyroid cancer, nonmedullary, 1. Review status: no classification provided. Collection method: in vitro. Allele origin: not applicable. Functional consequence: retained intron. Not counted in ClinVar's aggregate classification.

Dr. Peter K. Rogan Lab, Western University
No classification provided (evidence only). Condition: Thyroid cancer, nonmedullary, 1. Review status: no classification provided. Collection method: in vitro. Allele origin: not applicable. Functional consequence: retained intron. Not counted in ClinVar's aggregate classification.

Dr. Peter K. Rogan Lab, Western University
No classification provided (evidence only). Condition: Ovarian serous cystadenocarcinoma. Review status: no classification provided. Collection method: in vitro. Allele origin: not applicable. Functional consequence: retained intron. Not counted in ClinVar's aggregate classification.

Dr. Peter K. Rogan Lab, Western University
No classification provided (evidence only). Condition: Ovarian serous cystadenocarcinoma. Review status: no classification provided. Collection method: in vitro. Allele origin: not applicable. Functional consequence: retained intron. Not counted in ClinVar's aggregate classification.

Dr. Peter K. Rogan Lab, Western University
No classification provided (evidence only). Condition: Ovarian serous cystadenocarcinoma. Review status: no classification provided. Collection method: in vitro. Allele origin: not applicable. Functional consequence: retained intron. Not counted in ClinVar's aggregate classification.

Dr. Peter K. Rogan Lab, Western University
No classification provided (evidence only). Condition: Ovarian serous cystadenocarcinoma. Review status: no classification provided. Collection method: in vitro. Allele origin: not applicable. Functional consequence: retained intron. Not counted in ClinVar's aggregate classification.

Dr. Peter K. Rogan Lab, Western University
No classification provided (evidence only). Condition: Ovarian serous cystadenocarcinoma. Review status: no classification provided. Collection method: in vitro. Allele origin: not applicable. Functional consequence: retained intron. Not counted in ClinVar's aggregate classification.

Dr. Peter K. Rogan Lab, Western University
No classification provided (evidence only). Condition: Malignant tumor of esophagus. Review status: no classification provided. Collection method: in vitro. Allele origin: not applicable. Functional consequence: retained intron. Not counted in ClinVar's aggregate classification.

Dr. Peter K. Rogan Lab, Western University
No classification provided (evidence only). Condition: Lymphoma. Review status: no classification provided. Collection method: in vitro. Allele origin: not applicable. Functional consequence: cryptic splice site, retained intron. Not counted in ClinVar's aggregate classification.

Dr. Peter K. Rogan Lab, Western University
No classification provided (evidence only). Condition: Ovarian cancer. Review status: no classification provided. Collection method: in vitro. Allele origin: not applicable. Functional consequence: cryptic splice site, retained intron. Not counted in ClinVar's aggregate classification.

NM_001366244.2(GOLGA2):c.1726C>G (p.Leu576Val)

Gene: GOLGA2 (golgin A2; minus strand). Cytogenetic location: 9q34.11.
Variant type: single nucleotide variant.
Coding change: c.1726C>G on transcript NM_001366244.2 (MANE Select); coding-DNA position 1726, C replaced by G.
Protein change: p.Leu576Val; replaces leucine 576 with valine.
Molecular consequence: missense variant.
Genome position (GRCh38, 1-based): chr9:128,260,497, G>C on the plus strand (C>G on the coding strand, the complement: GOLGA2 is on the minus strand). VCF-style: chr9-128260497-G-C. GRCh37 (hg19) VCF-style: chr9-131022776-G-C.
Other names: NC_000009.11:g.131022776G>C; c.1645C>G, p.Leu549Val (NM_001366246.2, NM_004486.6); c.1711C>G, p.Leu571Val (NM_001389695.2); c.1708C>G, p.Leu570Val (NM_001389696.2); c.1633C>G, p.Leu545Val (NM_001389697.2); c.1627C>G, p.Leu543Val (NM_001389698.2); c.1606C>G, p.Leu536Val (NM_001389699.2, NM_001389700.2); c.1564C>G, p.Leu522Val (NM_001389701.2); and 4 more; short protein forms L418V, L425V, L509V, L514V, L522V, L536V, L543V, L545V.
Identifiers: ClinVar variation 709444 (VCV000709444.29), dbSNP rs74686374, ClinGen allele CA5258986.